The following is an entry in ClinVar:

NM_000136.3(FANCC):c.687-1G>A

Genes: AOPEP (aminopeptidase O (putative); plus strand), FANCC (FA complementation group C; minus strand). Cytogenetic location: 9q22.32.
Variant type: single nucleotide variant.
Coding change: c.687-1G>A on transcript NM_000136.3 (MANE Select); the canonical splice acceptor site of the intron before coding-DNA position 687, G replaced by A.
Molecular consequence: splice acceptor variant.
Genome position (GRCh38, 1-based): chr9:95,135,503, C>T on the plus strand (G>A on the coding strand, the complement: FANCC is on the minus strand). VCF-style: chr9-95135503-C-T. GRCh37 (hg19) VCF-style: chr9-97897785-C-T.
Other names: c.687-1G>A (NM_001243743.2, NM_001243744.2).
Identifiers: ClinVar variation 662580 (VCV000662580.12), dbSNP rs1588134748, ClinGen allele CA374109497.

ClinVar aggregate classification (germline): Likely pathogenic. Review status: criteria provided, multiple submitters, no conflicts (2 of 4 stars). 2 submissions from 2 submitters: Likely pathogenic (2). Last evaluated 2023-06-14.

Conditions:
Hereditary cancer-predisposing syndrome. Also called: Neoplastic Syndromes, Hereditary; Tumor predisposition; Hereditary neoplastic syndrome; Hereditary Cancer Syndrome. Identifiers: Orphanet 140162, MedGen C0027672, MeSH D009386, MONDO:0015356.
Fanconi anemia (FA). Also called: Fanconi's anemia. Identifiers: Orphanet 84, MedGen C0015625, MeSH D005199, MONDO:0019391.

Submissions (2):

Ambry Genetics
Classification: Likely pathogenic for Hereditary cancer-predisposing syndrome. Last evaluated: 2023-06-14. Review status: criteria provided, single submitter. Criteria: Ambry Variant Classification Scheme 2023. Collection method: clinical testing. Allele origin: germline.
Comment: The c.687-1G>A intronic variant results from a G to A substitution one nucleotide upstream from coding exon 7 of the FANCC gene. This nucleotide position is highly conserved in available vertebrate species. In silico splice site analysis predicts that this alteration will weaken the native splice acceptor site and may result in the creation or strengthening of a novel splice acceptor site; however, direct evidence is insufficient at this time (Ambry internal data). Alterations that disrupt the canonical splice site are expected to cause aberrant splicing, resulting in an abnormal protein or a transcript that is subject to nonsense-mediated mRNA decay. As such, this alteration is classified as likely pathogenic.

Labcorp Genetics (formerly Invitae), Labcorp
Classification: Likely pathogenic for Fanconi anemia. Last evaluated: 2020-11-06. Review status: criteria provided, single submitter. Criteria: Invitae Variant Classification Sherloc (09022015). Collection method: clinical testing. Allele origin: germline.
Comment: In summary, the currently available evidence indicates that the variant is pathogenic, but additional data are needed to prove that conclusively. Therefore, this variant has been classified as Likely Pathogenic. Algorithms developed to predict the effect of sequence changes on RNA splicing suggest that this variant may disrupt the consensus splice site, but this prediction has not been confirmed by published transcriptional studies. This variant has not been reported in the literature in individuals with FANCC-related conditions. ClinVar contains an entry for this variant (Variation ID: 662580). This variant is not present in population databases (ExAC no frequency). This sequence change affects an acceptor splice site in intron 7 of the FANCC gene. It is expected to disrupt RNA splicing. Variants that disrupt the donor or acceptor splice site typically lead to a loss of protein function (PMID: 16199547), and loss-of-function variants in FANCC are known to be pathogenic (PMID: 17924555).

Literature cited by the submitters: PubMed 16199547 (cited by Labcorp Genetics (formerly Invitae), Labcorp); PubMed 17924555 (cited by Labcorp Genetics (formerly Invitae), Labcorp).